The following is an entry in ClinVar:

ClinVar aggregate classification (germline): Benign/Likely benign. Review status: criteria provided, multiple submitters, no conflicts (2 of 4 stars). 3 submissions from 3 submitters: Benign (1); Likely benign (2). Last evaluated 2024-10-30.

Conditions:
Prostate cancer, hereditary, 9 (HPC9). Identifiers: Orphanet 1331, MedGen C1970250, MONDO:0012597, OMIM 610997.
Hereditary cancer-predisposing syndrome. Also called: Hereditary neoplastic syndrome; Hereditary Cancer Syndrome; Tumor predisposition; Neoplastic Syndromes, Hereditary. Identifiers: Orphanet 140162, MedGen C0027672, MeSH D009386, MONDO:0015356.

Allele frequency attached by ClinVar (database versions not stated): gnomAD exomes below 0.00001; ExAC 0.00001; gnomAD 0.00001; 1000 Genomes Project 30x 0.00016; 1000 Genomes Project 0.00020.

Submissions (3):

Myriad Genetics, Inc.
Classification: Benign for Prostate cancer, hereditary, 9. Last evaluated: 2024-10-30. Review status: criteria provided, single submitter. Criteria: Myriad Autosomal Dominant, Autosomal Recessive and X-Linked Classification Criteria (2023). Collection method: clinical testing. Allele origin: unknown.
Comment: This variant is considered benign. This variant is a silent/synonymous amino acid change and it is not expected to impact splicing.

Labcorp Genetics (formerly Invitae), Labcorp
Classification: Likely benign. Last evaluated: 2024-03-09. Review status: criteria provided, single submitter. Criteria: Invitae Variant Classification Sherloc (09022015). Collection method: clinical testing. Allele origin: germline.

Ambry Genetics
Classification: Likely benign for Hereditary cancer-predisposing syndrome. Last evaluated: 2019-07-08. Review status: criteria provided, single submitter. Criteria: Ambry Variant Classification Scheme 2023. Collection method: clinical testing. Allele origin: germline.

NM_006361.6(HOXB13):c.678G>A (p.Gly226=)

Gene: HOXB13 (homeobox B13; minus strand). Cytogenetic location: 17q21.32.
Variant type: single nucleotide variant.
Coding change: c.678G>A on transcript NM_006361.6 (MANE Select); coding-DNA position 678, G replaced by A.
Protein change: p.Gly226=; no amino-acid change (glycine 226 retained).
Molecular consequence: synonymous variant.
Genome position (GRCh38, 1-based): chr17:48,726,967, C>T on the plus strand (G>A on the coding strand, the complement: HOXB13 is on the minus strand). VCF-style: chr17-48726967-C-T. GRCh37 (hg19) VCF-style: chr17-46804329-C-T.
Identifiers: ClinVar variation 1136145 (VCV001136145.12), dbSNP rs200362093, ClinGen allele CA8633929.